The following is an entry in ClinVar:

NM_025216.3(WNT10A):c.547C>T (p.Gln183Ter)

Gene: WNT10A (Wnt family member 10A; plus strand). Cytogenetic location: 2q35.
Variant type: single nucleotide variant.
Coding change: c.547C>T on transcript NM_025216.3 (MANE Select); coding-DNA position 547, C replaced by T.
Protein change: p.Gln183Ter; replaces glutamine 183 with a stop codon.
Molecular consequence: nonsense.
Genome position (GRCh38, 1-based): chr2:218,890,154, C>T. VCF-style: chr2-218890154-C-T. GRCh37 (hg19) VCF-style: chr2-219754876-C-T.
Other names: short protein forms Q183*.
Identifiers: ClinVar variation 2921456 (VCV002921456.3), dbSNP rs1559414928, ClinGen allele CA350586167.

ClinVar aggregate classification (germline): Pathogenic (1 of 4 stars; one submission).

Conditions:
Tooth agenesis, selective, 4 (STHAG4). Also called: LATERAL INCISORS, ABSENCE OF; LATERAL INCISORS, PEGGED OR MISSING; SUCCEDANEOUS TEETH, AGENESIS OF; TOOTH AGENESIS, SELECTIVE, 4, WITH OR WITHOUT ECTODERMAL DYSPLASIA. Identifiers: Orphanet 99798, MedGen C1835492, MONDO:0007881, OMIM 150400. Disease mechanism: loss of function.
Odonto-onycho-dermal dysplasia. Identifiers: Orphanet 2721, MedGen C0796093, MONDO:0009773, OMIM 257980.

Allele frequency attached by ClinVar (database versions not stated): gnomAD exomes below 0.00001.

Submission:

Labcorp Genetics (formerly Invitae), Labcorp
Classification: Pathogenic for Tooth agenesis, selective, 4; Odonto-onycho-dermal dysplasia. Last evaluated: 2023-12-15. Review status: criteria provided, single submitter. Criteria: Invitae Variant Classification Sherloc (09022015). Collection method: clinical testing. Allele origin: germline.
Comment: This sequence change creates a premature translational stop signal (p.Gln183*) in the WNT10A gene. It is expected to result in an absent or disrupted protein product. Loss-of-function variants in WNT10A are known to be pathogenic (PMID: 17847007, 22581971, 25629078). This variant is not present in population databases (gnomAD no frequency). This variant has not been reported in the literature in individuals affected with WNT10A-related conditions. For these reasons, this variant has been classified as Pathogenic.

Literature cited by the submitters: PubMed 17847007; PubMed 22581971; PubMed 25629078.